The following is an entry in ClinVar:

ClinVar aggregate classification (germline): Likely benign (0 of 4 stars; one submission).

Conditions:
POLR3A-related disorder. Also called: POLR3A-related condition; POLR3A-related disorders. Identifiers: MedGen CN378587, MONDO:0700276.

Submission:

PreventionGenetics, part of Exact Sciences
Classification: Likely benign for POLR3A-related condition. Last evaluated: 2019-03-27. Review status: no assertion criteria provided. Collection method: clinical testing. Allele origin: germline.
Comment: This variant is classified as likely benign based on ACMG/AMP sequence variant interpretation guidelines (Richards et al. 2015 PMID: 25741868, with internal and published modifications).

NM_007055.4(POLR3A):c.1791A>G (p.Gly597=)

Gene: POLR3A (RNA polymerase III subunit A; minus strand). Cytogenetic location: 10q22.3.
Variant type: single nucleotide variant.
Coding change: c.1791A>G on transcript NM_007055.4 (MANE Select); coding-DNA position 1791, A replaced by G.
Protein change: p.Gly597=; no amino-acid change (glycine 597 retained).
Molecular consequence: synonymous variant.
Genome position (GRCh38, 1-based): chr10:78,009,655, T>C on the plus strand (A>G on the coding strand, the complement: POLR3A is on the minus strand). VCF-style: chr10-78009655-T-C. GRCh37 (hg19) VCF-style: chr10-79769413-T-C.
Identifiers: ClinVar variation 3057882 (VCV003057882.2), dbSNP rs374732894, ClinGen allele CA210211063.